The following is an entry in ClinVar:

ClinVar aggregate classification (germline): Likely pathogenic (1 of 4 stars; one submission).

Conditions:
Charcot-Marie-Tooth disease axonal type 2P. Also called: Charcot-Marie-Tooth Neuropathy Type 2G; CHARCOT-MARIE-TOOTH DISEASE, AXONAL, TYPE 2G; CMT 2G; CHARCOT-MARIE-TOOTH NEUROPATHY, TYPE 2P. Identifiers: Orphanet 300319, Orphanet 99941, MedGen C3280797, MONDO:0013753, OMIM 614436.

Allele frequency attached by ClinVar (database versions not stated): ExAC 0.00001; ESP Exome Variant Server 0.00008.
gnomAD v4.1: 5 of 1,614,220 alleles (0.00031%); highest among the groups gnomAD compares: South Asian, 0.0033%; no homozygotes.

Submission:

Labcorp Genetics (formerly Invitae), Labcorp
Classification: Likely pathogenic for Charcot-Marie-Tooth disease axonal type 2P. Last evaluated: 2023-06-02. Review status: criteria provided, single submitter. Criteria: Invitae Variant Classification Sherloc (09022015). Collection method: clinical testing. Allele origin: germline.
Comment: In summary, the currently available evidence indicates that the variant is pathogenic, but additional data are needed to prove that conclusively. Therefore, this variant has been classified as Likely Pathogenic. Algorithms developed to predict the effect of sequence changes on RNA splicing suggest that this variant may disrupt the consensus splice site. This variant has not been reported in the literature in individuals affected with LRSAM1-related conditions. This variant is present in population databases (rs373571535, gnomAD 0.0009%). This sequence change affects a donor splice site in intron 13 of the LRSAM1 gene. It is expected to disrupt RNA splicing. Variants that disrupt the donor or acceptor splice site typically lead to a loss of protein function (PMID: 16199547), and loss-of-function variants in LRSAM1 are known to be pathogenic (PMID: 20865121, 33414056).

Literature cited by the submitters: PubMed 16199547; PubMed 20865121; PubMed 33414056.

NM_001005373.4(LRSAM1):c.1043+1G>T

Gene: LRSAM1 (leucine rich repeat and sterile alpha motif containing 1; plus strand). Cytogenetic location: 9q33.3.
Variant type: single nucleotide variant.
Coding change: c.1043+1G>T on transcript NM_001005373.4 (MANE Select); the canonical splice donor site of the intron after coding-DNA position 1043, G replaced by T.
Molecular consequence: splice donor variant.
Genome position (GRCh38, 1-based): chr9:127,479,979, G>T. VCF-style: chr9-127479979-G-T. GRCh37 (hg19) VCF-style: chr9-130242258-G-T.
Other names: c.1043+1G>T (NM_138361.5, NM_001384142.1, NM_001384143.1 and 2 more transcripts); c.254+1G>T (NM_001384144.1).
Identifiers: ClinVar variation 2725178 (VCV002725178.3), dbSNP rs373571535, ClinGen allele CA5246791.